The following is an entry in ClinVar:

ClinVar aggregate classification (germline): Uncertain significance. Review status: criteria provided, single submitter (1 of 4 stars). 2 submissions from 2 submitters: Uncertain significance (1). 1 of the submissions does not count toward it. Last evaluated 2025-08-21.

Conditions:
SCRIB-related disorder. Also called: SCRIB-related condition.

Allele frequency attached by ClinVar (database versions not stated): ExAC 0.00102; gnomAD 0.00228; ESP Exome Variant Server 0.00234; 1000 Genomes Project 0.00260; TOPMed 0.00264; 1000 Genomes Project 30x 0.00281.
gnomAD v4.1: 670 of 1,604,220 alleles (0.042%); highest among the groups gnomAD compares: African/African-American, 0.83%; 4 homozygotes.

Submissions (3):

Ambry Genetics
Classification: Uncertain significance. Last evaluated: 2025-08-21. Review status: criteria provided, single submitter. Criteria: Ambry Variant Classification Scheme 2023. Collection method: clinical testing. Allele origin: germline.

PreventionGenetics, part of Exact Sciences
Classification: Benign for SCRIB-related condition. Last evaluated: 2019-05-20. Review status: no assertion criteria provided. Collection method: clinical testing. Allele origin: germline. Not counted in ClinVar's aggregate classification.
Comment: This variant is classified as benign based on ACMG/AMP sequence variant interpretation guidelines (Richards et al. 2015 PMID: 25741868, with internal and published modifications).

Dr. Peter K. Rogan Lab, Western University
No classification provided (evidence only). Condition: Nonpapillary renal cell carcinoma. Review status: no classification provided. Collection method: in vitro. Allele origin: not applicable. Functional consequence: retained intron. Not counted in ClinVar's aggregate classification.

NM_182706.5(SCRIB):c.3455G>A (p.Arg1152His)

Gene: SCRIB (scribble planar cell polarity protein; minus strand). Cytogenetic location: 8q24.3.
Variant type: single nucleotide variant.
Coding change: c.3455G>A on transcript NM_182706.5 (MANE Select); coding-DNA position 3455, G replaced by A.
Protein change: p.Arg1152His; replaces arginine 1152 with histidine.
Molecular consequence: missense variant.
Genome position (GRCh38, 1-based): chr8:143,803,531, C>T on the plus strand (G>A on the coding strand, the complement: SCRIB is on the minus strand). VCF-style: chr8-143803531-C-T. GRCh37 (hg19) VCF-style: chr8-144885701-C-T.
Other names: NC_000008.10:g.144885701C>T; c.3455G>A (NM_182706.3); c.3455G>A, p.Arg1152His (NM_015356.5); short protein forms R1152H.
Identifiers: ClinVar variation 3038738 (VCV003038738.4), dbSNP rs140946440, ClinGen allele CA4918698.